The following is an entry in ClinVar:

NM_001283009.2(RTEL1):c.1088G>A (p.Gly363Asp)

Genes: RTEL1 (regulator of telomere elongation helicase 1; plus strand), RTEL1-TNFRSF6B (RTEL1-TNFRSF6B readthrough (NMD candidate); plus strand). Cytogenetic location: 20q13.33.
Variant type: single nucleotide variant.
Coding change: c.1088G>A on transcript NM_001283009.2 (MANE Select); coding-DNA position 1088, G replaced by A.
Protein change: p.Gly363Asp; replaces glycine 363 with aspartic acid.
Molecular consequence: missense variant. On other transcripts: non-coding transcript variant (1).
Genome position (GRCh38, 1-based): chr20:63,679,899, G>A. VCF-style: chr20-63679899-G-A. GRCh37 (hg19) VCF-style: chr20-62311252-G-A.
Other names: c.419G>A, p.Gly140Asp (NM_001283010.1); c.1088G>A, p.Gly363Asp (NM_016434.4); c.1160G>A, p.Gly387Asp (NM_032957.5); short protein forms G387D, G140D, G363D.
Identifiers: ClinVar variation 3435975 (VCV003435975.3).
Genomic context (GRCh38, chr20:63,679,899, plus strand): 5'-TCCTCGGCAGCTACATCTTTGAGCTGTTTGCTGAAGCCCAGATCACGTTTCAGACCAAGG[G>A]CTGCATCCTGGACTCGCTGGACCAGATCATCCAGCACCTGGCAGGACGTGAGTGCTGGCA-3'
Protein context (NP_001269938.1, residues 353-373): AEAQITFQTK[Gly363Asp]CILDSLDQII

ClinVar aggregate classification (germline): Uncertain significance. Review status: criteria provided, multiple submitters, no conflicts (2 of 4 stars). 2 submissions from 2 submitters: Uncertain significance (2). Last evaluated 2025-08-20.

Conditions:
Pulmonary fibrosis and/or bone marrow failure, Telomere-related, 3. Also called: PULMONARY FIBROSIS AND/OR BONE MARROW FAILURE SYNDROME, TELOMERE-RELATED, 3. Identifiers: Orphanet 2032, MedGen C4225346, MONDO:0014613, OMIM 616373.
Dyskeratosis congenita, autosomal recessive 5 (DKCB5). Identifiers: MedGen C3554656, MONDO:0014076, OMIM 615190.
Inborn genetic diseases. Identifiers: MedGen C0950123, MeSH D030342.

Submissions (2):

Labcorp Genetics (formerly Invitae), Labcorp
Classification: Uncertain significance for Dyskeratosis congenita, autosomal recessive 5; Pulmonary fibrosis and/or bone marrow failure, Telomere-related, 3. Last evaluated: 2025-08-20. Review status: criteria provided, single submitter. Criteria: Invitae Variant Classification Sherloc (09022015). Collection method: clinical testing. Allele origin: germline.
Comment: This sequence change replaces glycine, which is neutral and non-polar, with aspartic acid, which is acidic and polar, at codon 363 of the RTEL1 protein (p.Gly363Asp). This variant is not present in population databases (gnomAD no frequency). This variant has not been reported in the literature in individuals affected with RTEL1-related conditions. ClinVar contains an entry for this variant (Variation ID: 3435975). An algorithm developed to predict the effect of missense changes on protein structure and function outputs the following: PolyPhen-2: "Benign". The aspartic acid amino acid residue is found in multiple mammalian species, which suggests that this missense change does not adversely affect protein function. In summary, the available evidence is currently insufficient to determine the role of this variant in disease. Therefore, it has been classified as a Variant of Uncertain Significance.

Ambry Genetics
Classification: Uncertain significance for Inborn genetic diseases. Last evaluated: 2024-11-25. Review status: criteria provided, single submitter. Criteria: Ambry Variant Classification Scheme 2023. Collection method: clinical testing. Allele origin: germline.
Comment: The p.G363D variant (also known as c.1088G>A), located in coding exon 12 of the RTEL1 gene, results from a G to A substitution at nucleotide position 1088. The glycine at codon 363 is replaced by aspartic acid, an amino acid with similar properties. This amino acid position is conserved. In addition, this alteration is predicted to be tolerated by in silico analysis. Based on the available evidence, the clinical significance of this variant remains unclear.